The following is an entry in ClinVar:

ClinVar aggregate classification (germline): Uncertain significance (1 of 4 stars; one submission).

Submission:

Labcorp Genetics (formerly Invitae), Labcorp
Classification: Uncertain significance. Last evaluated: 2024-04-27. Review status: criteria provided, single submitter. Criteria: Invitae Variant Classification Sherloc (09022015). Collection method: clinical testing. Allele origin: germline.
Comment: This sequence change replaces threonine, which is neutral and polar, with isoleucine, which is neutral and non-polar, at codon 581 of the DCHS1 protein (p.Thr581Ile). This variant is not present in population databases (gnomAD no frequency). This variant has not been reported in the literature in individuals affected with DCHS1-related conditions. Advanced modeling of protein sequence and biophysical properties (such as structural, functional, and spatial information, amino acid conservation, physicochemical variation, residue mobility, and thermodynamic stability) performed at Invitae indicates that this missense variant is not expected to disrupt DCHS1 protein function with a negative predictive value of 95%. In summary, the available evidence is currently insufficient to determine the role of this variant in disease. Therefore, it has been classified as a Variant of Uncertain Significance.

NM_003737.4(DCHS1):c.1742C>T (p.Thr581Ile)

Gene: DCHS1 (dachsous cadherin-related 1; minus strand). Cytogenetic location: 11p15.4.
Variant type: single nucleotide variant.
Coding change: c.1742C>T on transcript NM_003737.4 (MANE Select); coding-DNA position 1742, C replaced by T.
Protein change: p.Thr581Ile; replaces threonine 581 with isoleucine.
Molecular consequence: missense variant.
Genome position (GRCh38, 1-based): chr11:6,639,872, G>A on the plus strand (C>T on the coding strand, the complement: DCHS1 is on the minus strand). VCF-style: chr11-6639872-G-A. GRCh37 (hg19) VCF-style: chr11-6661103-G-A.
Other names: short protein forms T581I.
Identifiers: ClinVar variation 3634158 (VCV003634158.2).